The following is an entry in ClinVar:

NM_017617.5(NOTCH1):c.1726C>T (p.His576Tyr)

Gene: NOTCH1 (notch receptor 1; minus strand). Cytogenetic location: 9q34.3.
Variant type: single nucleotide variant.
Coding change: c.1726C>T on transcript NM_017617.5 (MANE Select); coding-DNA position 1726, C replaced by T.
Protein change: p.His576Tyr; replaces histidine 576 with tyrosine.
Molecular consequence: missense variant.
Genome position (GRCh38, 1-based): chr9:136,515,660, G>A on the plus strand (C>T on the coding strand, the complement: NOTCH1 is on the minus strand). VCF-style: chr9-136515660-G-A. GRCh37 (hg19) VCF-style: chr9-139410112-G-A.
Other names: short protein forms H576Y.
Identifiers: ClinVar variation 1778864 (VCV001778864.6), dbSNP rs1409484433, ClinGen allele CA375560277.
Genomic context (GRCh38, chr9:136,515,660, plus strand): 5'-TGTAGCCTGGGCGGCAGAGGCAGGTGAAGGTGGCGACGCCGTCCTTGCAGGAGCCGTAGT[G>A]GCAGGGGTCGGGGTCGCACTCATCGATGTCCACCTCGCAGTGCGTCCCCGTGTACCCTGG-3'
Protein context (NP_060087.3, residues 566-586): DIDECDPDPC[His576Tyr]YGSCKDGVAT

ClinVar aggregate classification (germline): Conflicting classifications of pathogenicity. Review status: criteria provided, conflicting classifications (1 of 4 stars). 3 submissions from 3 submitters: Uncertain significance (2); Likely benign (1). Last evaluated 2025-12-16.

Conditions:
Adams-Oliver syndrome 5 (AOS5). Identifiers: Orphanet 974, MedGen C4014970, MONDO:0014459, OMIM 616028.
Familial thoracic aortic aneurysm and aortic dissection (TAAD). Also called: Thoracic aortic aneurysms and dissections. Identifiers: Orphanet 91387, MedGen C4707243, MONDO:0019625.

Allele frequency attached by ClinVar (database versions not stated): gnomAD exomes below 0.00001; gnomAD 0.00001.
gnomAD v4.1: 2 of 1,579,828 alleles (0.00013%); highest among the groups gnomAD compares: Non-Finnish European, 0.00017%; no homozygotes.

Submissions (3):

Ambry Genetics
Classification: Uncertain significance for Familial thoracic aortic aneurysm and aortic dissection. Last evaluated: 2025-12-16. Review status: criteria provided, single submitter. Criteria: Ambry Variant Classification Scheme 2023. Collection method: clinical testing. Allele origin: germline.
Comment: The p.H576Y variant (also known as c.1726C>T), located in coding exon 11 of the NOTCH1 gene, results from a C to T substitution at nucleotide position 1726. The histidine at codon 576 is replaced by tyrosine, an amino acid with similar properties. This amino acid position is highly conserved in available vertebrate species. In addition, the in silico prediction for this alteration is inconclusive. Since supporting evidence is limited at this time, the clinical significance of this alteration remains unclear.

Labcorp Genetics (formerly Invitae), Labcorp
Classification: Likely benign for Adams-Oliver syndrome 5. Last evaluated: 2024-10-16. Review status: criteria provided, single submitter. Criteria: Invitae Variant Classification Sherloc (09022015). Collection method: clinical testing. Allele origin: germline.

GeneDx
Classification: Uncertain significance. Last evaluated: 2022-09-23. Review status: criteria provided, single submitter. Criteria: GeneDx Variant Classification Process June 2021. Collection method: clinical testing. Allele origin: germline. Affected: yes.
Comment: Not observed at significant frequency in large population cohorts (gnomAD); In silico analysis supports that this missense variant has a deleterious effect on protein structure/function; Has not been previously published as pathogenic or benign to our knowledge